The following is an entry in ClinVar:

ClinVar aggregate classification (germline): Uncertain significance. Review status: criteria provided, multiple submitters, no conflicts (2 of 4 stars). 4 submissions from 4 submitters: Uncertain significance (3). 1 of the submissions does not count toward it. Last evaluated 2025-10-14.

Conditions:
Basal cell carcinoma, susceptibility to, 1. Also called: BCC1. Identifiers: MedGen C2751544, MONDO:0011556, OMIM 605462.
Gorlin syndrome. Also called: Basal cell nevus syndrome; Nevoid Basal Cell Carcinoma Syndrome. Identifiers: Orphanet 377, MedGen C0004779, MONDO:0007187.
Hereditary cancer-predisposing syndrome. Also called: Hereditary neoplastic syndrome; Tumor predisposition; Neoplastic Syndromes, Hereditary; Hereditary Cancer Syndrome. Identifiers: Orphanet 140162, MedGen C0027672, MeSH D009386, MONDO:0015356.
PTCH1-related disorder. Also called: PTCH1-related disorders; PTCH1-related condition.

Allele frequency attached by ClinVar (database versions not stated): gnomAD exomes 0.00001.

Submissions (4):

Ambry Genetics
Classification: Uncertain significance for Hereditary cancer-predisposing syndrome. Last evaluated: 2025-10-14. Review status: criteria provided, single submitter. Criteria: Ambry Variant Classification Scheme 2023. Collection method: clinical testing. Allele origin: germline.
Comment: The p.M158L variant (also known as c.472A>C), located in coding exon 3 of the PTCH1 gene, results from an A to C substitution at nucleotide position 472. The methionine at codon 158 is replaced by leucine, an amino acid with highly similar properties. This amino acid position is well conserved in available vertebrate species. In addition, the in silico prediction for this alteration is inconclusive. Since supporting evidence is limited at this time, the clinical significance of this alteration remains unclear.

Labcorp Genetics (formerly Invitae), Labcorp
Classification: Uncertain significance for Gorlin syndrome. Last evaluated: 2024-03-16. Review status: criteria provided, single submitter. Criteria: Invitae Variant Classification Sherloc (09022015). Collection method: clinical testing. Allele origin: germline.
Comment: This sequence change replaces methionine, which is neutral and non-polar, with leucine, which is neutral and non-polar, at codon 158 of the PTCH1 protein (p.Met158Leu). This variant is not present in population databases (gnomAD no frequency). This variant has not been reported in the literature in individuals affected with PTCH1-related conditions. ClinVar contains an entry for this variant (Variation ID: 963290). Advanced modeling of protein sequence and biophysical properties (such as structural, functional, and spatial information, amino acid conservation, physicochemical variation, residue mobility, and thermodynamic stability) performed at Invitae indicates that this missense variant is not expected to disrupt PTCH1 protein function with a negative predictive value of 95%. In summary, the available evidence is currently insufficient to determine the role of this variant in disease. Therefore, it has been classified as a Variant of Uncertain Significance.

Baylor Genetics
Classification: Uncertain significance for Basal cell carcinoma, susceptibility to, 1. Last evaluated: 2024-02-29. Review status: criteria provided, single submitter. Criteria: ACMG Guidelines, 2015. Collection method: clinical testing. Allele origin: unknown.

PreventionGenetics, part of Exact Sciences
Classification: Uncertain significance for PTCH1-related condition. Last evaluated: 2024-06-20. Review status: no assertion criteria provided. Collection method: clinical testing. Allele origin: germline. Not counted in ClinVar's aggregate classification.
Comment: The PTCH1 c.472A>C variant is predicted to result in the amino acid substitution p.Met158Leu. To our knowledge, this variant has not been reported in the literature or in a large population database, indicating this variant is rare. At this time, the clinical significance of this variant is uncertain due to the absence of conclusive functional and genetic evidence.

NM_000264.5(PTCH1):c.472A>C (p.Met158Leu)

Gene: PTCH1 (patched 1; minus strand). Cytogenetic location: 9q22.32.
Variant type: single nucleotide variant.
Coding change: c.472A>C on transcript NM_000264.5 (MANE Select); coding-DNA position 472, A replaced by C.
Protein change: p.Met158Leu; replaces methionine 158 with leucine.
Molecular consequence: missense variant. On other transcripts: non-coding transcript variant (1).
Genome position (GRCh38, 1-based): chr9:95,485,797, T>G on the plus strand (A>C on the coding strand, the complement: PTCH1 is on the minus strand). VCF-style: chr9-95485797-T-G. GRCh37 (hg19) VCF-style: chr9-98248079-T-G.
Other names: c.274A>C, p.Met92Leu (NM_001083602.3, NM_001354919.2); c.469A>C, p.Met157Leu (NM_001083603.3); c.19A>C, p.Met7Leu (NM_001083604.3, NM_001083605.3, NM_001083606.3 and 1 more transcripts); c.472A>C, p.Met158Leu (NM_001354918.2); short protein forms M7L, M92L, M157L, M158L.
Identifiers: ClinVar variation 963290 (VCV000963290.17), dbSNP rs758656848, ClinGen allele CA374117040.